The following is an entry in ClinVar:

NM_024577.4(SH3TC2):c.1451A>T (p.Lys484Met)

Gene: SH3TC2 (SH3 domain and tetratricopeptide repeats 2; minus strand). Cytogenetic location: 5q32.
Variant type: single nucleotide variant.
Coding change: c.1451A>T on transcript NM_024577.4 (MANE Select); coding-DNA position 1451, A replaced by T.
Protein change: p.Lys484Met; replaces lysine 484 with methionine.
Molecular consequence: missense variant.
Genome position (GRCh38, 1-based): chr5:149,028,281, T>A on the plus strand (A>T on the coding strand, the complement: SH3TC2 is on the minus strand). VCF-style: chr5-149028281-T-A. GRCh37 (hg19) VCF-style: chr5-148407844-T-A.
Other names: short protein forms K484M.
Identifiers: ClinVar variation 1931771 (VCV001931771.3), dbSNP rs1754114741, ClinGen allele CA361668806.

ClinVar aggregate classification (germline): Uncertain significance (1 of 4 stars; one submission).

Conditions:
Charcot-Marie-Tooth disease type 4. Also called: Charcot-Marie-Tooth disease, type IV; Charcot-Marie-Tooth, Type 4. Identifiers: Orphanet 64749, MedGen C4082197, MONDO:0018995.

Allele frequency attached by ClinVar (database versions not stated): TOPMed below 0.00001.
gnomAD v4.1: 2 of 1,613,954 alleles (0.00012%); highest among the groups gnomAD compares: Non-Finnish European, 0.00017%; no homozygotes.

Submission:

Labcorp Genetics (formerly Invitae), Labcorp
Classification: Uncertain significance for Charcot-Marie-Tooth disease type 4. Last evaluated: 2025-04-02. Review status: criteria provided, single submitter. Criteria: Invitae Variant Classification Sherloc (09022015). Collection method: clinical testing. Allele origin: germline.
Comment: This sequence change replaces lysine, which is basic and polar, with methionine, which is neutral and non-polar, at codon 484 of the SH3TC2 protein (p.Lys484Met). This variant is not present in population databases (gnomAD no frequency). This variant has not been reported in the literature in individuals affected with SH3TC2-related conditions. ClinVar contains an entry for this variant (Variation ID: 1931771). Invitae Evidence Modeling of protein sequence and biophysical properties (such as structural, functional, and spatial information, amino acid conservation, physicochemical variation, residue mobility, and thermodynamic stability) indicates that this missense variant is not expected to disrupt SH3TC2 protein function with a negative predictive value of 95%. In summary, the available evidence is currently insufficient to determine the role of this variant in disease. Therefore, it has been classified as a Variant of Uncertain Significance.